The following is an entry in ClinVar:

ClinVar aggregate classification (germline): Uncertain significance. Review status: criteria provided, multiple submitters, no conflicts (2 of 4 stars). 2 submissions from 2 submitters: Uncertain significance (2). Last evaluated 2025-04-03.

Conditions:
Inborn genetic diseases. Identifiers: MedGen C0950123, MeSH D030342.

Allele frequency attached by ClinVar (database versions not stated): 1000 Genomes Project 30x 0.00016.
gnomAD v4.1: 26 of 1,609,310 alleles (0.0016%); highest among the groups gnomAD compares: East Asian, 0.029%; no homozygotes.

Submissions (2):

Ambry Genetics
Classification: Uncertain significance for Inborn genetic diseases. Last evaluated: 2025-04-03. Review status: criteria provided, single submitter. Criteria: Ambry Variant Classification Scheme 2023. Collection method: clinical testing. Allele origin: germline.

Labcorp Genetics (formerly Invitae), Labcorp
Classification: Uncertain significance. Last evaluated: 2021-08-14. Review status: criteria provided, single submitter. Criteria: Invitae Variant Classification Sherloc (09022015). Collection method: clinical testing. Allele origin: germline.
Comment: This sequence change replaces isoleucine with threonine at codon 167 of the DYM protein (p.Ile167Thr). The isoleucine residue is moderately conserved and there is a moderate physicochemical difference between isoleucine and threonine. This variant is present in population databases (rs75854087, ExAC 0.05%). This variant has not been reported in the literature in individuals affected with DYM-related conditions. Algorithms developed to predict the effect of missense changes on protein structure and function (SIFT, PolyPhen-2, Align-GVGD) all suggest that this variant is likely to be tolerated. In summary, the available evidence is currently insufficient to determine the role of this variant in disease. Therefore, it has been classified as a Variant of Uncertain Significance.

NM_001353214.3(DYM):c.500T>C (p.Ile167Thr)

Gene: DYM (dymeclin; minus strand). Cytogenetic location: 18q21.1.
Variant type: single nucleotide variant.
Coding change: c.500T>C on transcript NM_001353214.3 (MANE Select); coding-DNA position 500, T replaced by C.
Protein change: p.Ile167Thr; replaces isoleucine 167 with threonine.
Molecular consequence: missense variant. On other transcripts: intron variant (6).
Genome position (GRCh38, 1-based): chr18:49,333,848, A>G on the plus strand (T>C on the coding strand, the complement: DYM is on the minus strand). VCF-style: chr18-49333848-A-G. GRCh37 (hg19) VCF-style: chr18-46860218-A-G.
Other names: c.500T>C, p.Ile167Thr (NM_001353210.3, NM_001353213.3, NM_001353215.3 and 10 more transcripts); c.497T>C, p.Ile166Thr (NM_001353211.3, NM_001353212.3, NM_001374429.1 and 1 more transcripts); c.272T>C, p.Ile91Thr (NM_001374440.1); c.194-47235T>C (NM_001374443.1); c.194-47232T>C (NM_001374444.1, NM_001374442.1, NM_001374441.1); c.495-1842T>C (NM_001374436.1, NM_001374432.1); c.500T>C (NM_017653.3); short protein forms I167T, I166T, I91T.
Identifiers: ClinVar variation 1362456 (VCV001362456.6), dbSNP rs75854087, ClinGen allele CA8958354.